The following is an entry in ClinVar:

NM_018116.4(MSTO1):c.1547T>C (p.Leu516Pro)

Gene: MSTO1 (misato mitochondrial distribution and morphology regulator 1; plus strand). Cytogenetic location: 1q22.
Variant type: single nucleotide variant.
Coding change: c.1547T>C on transcript NM_018116.4 (MANE Select); coding-DNA position 1547, T replaced by C.
Protein change: p.Leu516Pro; replaces leucine 516 with proline.
Molecular consequence: missense variant. On other transcripts: synonymous variant (6), non-coding transcript variant (6).
Genome position (GRCh38, 1-based): chr1:155,614,107, T>C. VCF-style: chr1-155614107-T-C. GRCh37 (hg19) VCF-style: chr1-155583898-T-C.
Other names: c.1544T>C, p.Leu515Pro (NM_001256532.1); c.1511T>C, p.Leu504Pro (NM_001256533.1); c.1514T>C, p.Leu505Pro (NM_001350772.1); c.1584T>C, p.Pro528= (NM_001350773.1); c.1581T>C, p.Pro527= (NM_001350774.1); c.1572T>C, p.Pro524= (NM_001350775.1); c.1382T>C, p.Leu461Pro (NM_001350776.1); c.1016T>C, p.Leu339Pro (NM_001350777.1, NM_001350778.1, NM_001350779.1); and 7 more; short protein forms L324P, L335P, L337P, L338P, L339P, L461P, L504P, L505P.
Identifiers: ClinVar variation 3362275 (VCV003362275.3).
Genomic context (GRCh38, chr1:155,614,107, plus strand): 5'-CTCCCTCCACAGCAGTGGAGAGCATCCCAGTGTTTGGGGCACTGTGTTCCTCTTCGTCCC[T>C]GCACCAGACCCTGGAAGCCTTGGCCAGAGACCTCACCAAACTCGACTTGCGGCGCTGGGC-3'
Protein context (NP_060586.2, residues 506-526): VFGALCSSSS[Leu516Pro]HQTLEALARD

ClinVar aggregate classification (germline): Uncertain significance (1 of 4 stars; one submission).

Conditions:
Mitochondrial myopathy-cerebellar ataxia-pigmentary retinopathy syndrome. Also called: MYOPATHY, MITOCHONDRIAL, AND ATAXIA. Identifiers: Orphanet 502423, MedGen C4540096, MONDO:0044714, OMIM 617675.

gnomAD v4.1: 1 of 1,502,610 alleles (0.000067%); no homozygotes.

Submission:

Neuberg Centre For Genomic Medicine, NCGM
Classification: Uncertain significance for Mitochondrial myopathy-cerebellar ataxia-pigmentary retinopathy syndrome. Last evaluated: 2023-05-20. Review status: criteria provided, single submitter. Criteria: ACMG Guidelines, 2015. Collection method: clinical testing. Allele origin: germline. Inheritance: Autosomal dominant inheritance. Affected: yes.
Comment: The missense variant c.1547T>C(p.Leu516Pro) in MSTO1 gene has not been reported previously as a pathogenic variant nor as a benign variant, to our knowledge. The observed variant has allele frequency of 0.0005% in gnomAD exomes database. This variant has not been submitted to the ClinVar database. Multiple lines of computational evidence (Polyphen - probably damaging, SIFT - damaging and MutationTaster - disease causing) predict a damaging effect on protein structure and function for this variant. The reference amino acid change p.Leu516Pro in MSTO1 is predicted as conserved by GERP++ and PhyloP across 100 vertebrates. The amino acid Leu at position 516 is changed to a Pro changing protein sequence and it might alter its composition and physico-chemical properties. For these reasons, this variant has been classified as Uncertain Significance (VUS).